The following is an entry in ClinVar:

ClinVar aggregate classification (germline): Uncertain significance (1 of 4 stars; one submission).

Allele frequency attached by ClinVar (database versions not stated): gnomAD exomes 0.00001.
gnomAD v4.1: 14 of 1,511,046 alleles (0.00093%); highest among the groups gnomAD compares: Admixed American, 0.0021%; no homozygotes.

Submission:

Labcorp Genetics (formerly Invitae), Labcorp
Classification: Uncertain significance. Last evaluated: 2021-08-15. Review status: criteria provided, single submitter. Criteria: Invitae Variant Classification Sherloc (09022015). Collection method: clinical testing. Allele origin: germline.
Comment: This sequence change replaces serine with proline at codon 34 of the AP3B2 protein (p.Ser34Pro). The serine residue is moderately conserved and there is a moderate physicochemical difference between serine and proline. The frequency data for this variant in the population databases is considered unreliable, as metrics indicate insufficient coverage at this position in the ExAC database. This variant has not been reported in the literature in individuals with AP3B2-related conditions. Algorithms developed to predict the effect of missense changes on protein structure and function (SIFT, PolyPhen-2, Align-GVGD) all suggest that this variant is likely to be tolerated, but these predictions have not been confirmed by published functional studies and their clinical significance is uncertain. In summary, the available evidence is currently insufficient to determine the role of this variant in disease. Therefore, it has been classified as a Variant of Uncertain Significance.

NM_001278512.2(AP3B2):c.100T>C (p.Ser34Pro)

Genes: AP3B2 (adaptor related protein complex 3 subunit beta 2; minus strand), LOC130057772 (ATAC-STARR-seq lymphoblastoid silent region 6752; plus strand). Cytogenetic location: 15q25.2.
Variant type: single nucleotide variant.
Coding change: c.100T>C on transcript NM_001278512.2 (MANE Select); coding-DNA position 100, T replaced by C.
Protein change: p.Ser34Pro; replaces serine 34 with proline.
Molecular consequence: missense variant.
Genome position (GRCh38, 1-based): chr15:82,709,607, A>G on the plus strand (T>C on the coding strand, the complement: AP3B2 is on the minus strand). VCF-style: chr15-82709607-A-G. GRCh37 (hg19) VCF-style: chr15-83378359-A-G.
Other names: c.100T>C, p.Ser34Pro (NM_001278511.2, NM_001348440.2, NM_004644.5); short protein forms S34P.
Identifiers: ClinVar variation 1472156 (VCV001472156.8), dbSNP rs1458171322, ClinGen allele CA393307428.